The following is an entry in ClinVar:

NM_199420.4(POLQ):c.6826G>A (p.Gly2276Ser)

Gene: POLQ (DNA polymerase theta; minus strand). Cytogenetic location: 3q13.33.
Variant type: single nucleotide variant.
Coding change: c.6826G>A on transcript NM_199420.4 (MANE Select); coding-DNA position 6826, G replaced by A.
Protein change: p.Gly2276Ser; replaces glycine 2276 with serine.
Molecular consequence: missense variant.
Genome position (GRCh38, 1-based): chr3:121,468,324, C>T on the plus strand (G>A on the coding strand, the complement: POLQ is on the minus strand). VCF-style: chr3-121468324-C-T. GRCh37 (hg19) VCF-style: chr3-121187171-C-T.
Other names: short protein forms G2276S.
Identifiers: ClinVar variation 3308493 (VCV003308493.1).

ClinVar aggregate classification (germline): Uncertain significance (1 of 4 stars; one submission).

Submission:

Ambry Genetics
Classification: Uncertain significance. Last evaluated: 2024-04-24. Review status: criteria provided, single submitter. Criteria: Ambry Variant Classification Scheme 2023. Collection method: clinical testing. Allele origin: germline.
Comment: The p.G2276S variant (also known as c.6826G>A), located in coding exon 23 of the POLQ gene, results from a G to A substitution at nucleotide position 6826. The glycine at codon 2276 is replaced by serine, an amino acid with similar properties. This amino acid position is conserved. In addition, this alteration is predicted to be tolerated by in silico analysis. Based on the available evidence, the clinical significance of this variant remains unclear.